The following is an entry in ClinVar:

ClinVar aggregate classification (germline): Uncertain significance. Review status: criteria provided, multiple submitters, no conflicts (2 of 4 stars). 2 submissions from 2 submitters: Uncertain significance (2). Last evaluated 2024-03-04.

Conditions:
Rubinstein-Taybi syndrome due to EP300 haploinsufficiency. Also called: EP300-Related Rubinstein-Taybi Syndrome; RUBINSTEIN-TAYBI SYNDROME 2. Identifiers: Orphanet 353284, Orphanet 783, MedGen C3150941, MONDO:0013364, OMIM 613684.

Submissions (2):

GeneDx
Classification: Uncertain significance. Last evaluated: 2024-03-04. Review status: criteria provided, single submitter. Criteria: GeneDx Variant Classification Process June 2021. Collection method: clinical testing. Allele origin: germline. Affected: yes.
Comment: Not observed at significant frequency in large population cohorts (gnomAD); In silico analysis supports that this missense variant has a deleterious effect on protein structure/function; Has not been previously published as pathogenic or benign to our knowledge

Labcorp Genetics (formerly Invitae), Labcorp
Classification: Uncertain significance for Rubinstein-Taybi syndrome due to EP300 haploinsufficiency. Last evaluated: 2023-02-04. Review status: criteria provided, single submitter. Criteria: Invitae Variant Classification Sherloc (09022015). Collection method: clinical testing. Allele origin: germline.
Comment: This variant has not been reported in the literature in individuals affected with EP300-related conditions. This sequence change replaces glycine, which is neutral and non-polar, with arginine, which is basic and polar, at codon 681 of the EP300 protein (p.Gly681Arg). This variant is not present in population databases (gnomAD no frequency). Advanced modeling of protein sequence and biophysical properties (such as structural, functional, and spatial information, amino acid conservation, physicochemical variation, residue mobility, and thermodynamic stability) performed at Invitae indicates that this missense variant is not expected to disrupt EP300 protein function. In summary, the available evidence is currently insufficient to determine the role of this variant in disease. Therefore, it has been classified as a Variant of Uncertain Significance.

NM_001429.4(EP300):c.2041G>A (p.Gly681Arg)

Gene: EP300 (EP300 lysine acetyltransferase; plus strand). Cytogenetic location: 22q13.2.
Variant type: single nucleotide variant.
Coding change: c.2041G>A on transcript NM_001429.4 (MANE Select); coding-DNA position 2041, G replaced by A.
Protein change: p.Gly681Arg; replaces glycine 681 with arginine.
Molecular consequence: missense variant.
Genome position (GRCh38, 1-based): chr22:41,141,210, G>A. VCF-style: chr22-41141210-G-A. GRCh37 (hg19) VCF-style: chr22-41537214-G-A.
Other names: c.2041G>A (NM_001429.3); c.2041G>A, p.Gly681Arg (NM_001362843.2); short protein forms G681R.
Identifiers: ClinVar variation 2790033 (VCV002790033.4), dbSNP rs2145726493, ClinGen allele CA411688583.